The following is an entry in ClinVar:

ClinVar aggregate classification (germline): Uncertain significance (1 of 4 stars; one submission).

Conditions:
Idiopathic generalized epilepsy. Also called: Generalised epilepsy; EIG. Identifiers: MedGen C0270850, MONDO:0005579, OMIM 600669.

Submission:

Labcorp Genetics (formerly Invitae), Labcorp
Classification: Uncertain significance for Idiopathic generalized epilepsy. Last evaluated: 2018-11-19. Review status: criteria provided, single submitter. Criteria: Invitae Variant Classification Sherloc (09022015). Collection method: clinical testing. Allele origin: germline.
Comment: This variant results in a copy number gain of the genomic region encompassing exons 2-8 of the RBFOX1 gene. While the exact position of this variant cannot be determined from this data, sub-genic copy number gains are generally in tandem (PMID: 25640679) and may result in an absent or disrupted protein product. This variant has not been reported in the literature in individuals with RBFOX1-related disease. The current clinical and genetic evidence is not sufficient to establish whether loss-of-function variants in RBFOX1 cause disease. In summary, the available evidence is currently insufficient to determine the role of this variant in disease. Therefore, it has been classified as a Variant of Uncertain Significance.

NC_000016.9:g.(?_7560981)_(7680705_?)dup

Genes: RBFOX1 (RNA binding fox-1 homolog 1; plus strand), LOC126862278 (CDK7 strongly-dependent group 2 enhancer GRCh37_chr16:7629446-7630645; plus strand). Cytogenetic location: 16p13.3.
Variant type: Duplication.
Identifiers: ClinVar variation 654098 (VCV000654098.1).